The following is an entry in ClinVar:

ClinVar aggregate classification (germline): Uncertain significance (1 of 4 stars; one submission).

Conditions:
Very long chain acyl-CoA dehydrogenase deficiency (ACADVLD). Also called: Very Long-Chain Acyl-Coenzyme A Dehydrogenase Deficiency; VLCAD Deficiency. Identifiers: Orphanet 26793, MedGen C3887523, MONDO:0008723, OMIM 201475.

Submission:

Labcorp Genetics (formerly Invitae), Labcorp
Classification: Uncertain significance for Very long chain acyl-CoA dehydrogenase deficiency. Last evaluated: 2024-10-15. Review status: criteria provided, single submitter. Criteria: Invitae Variant Classification Sherloc (09022015). Collection method: clinical testing. Allele origin: germline.
Comment: This sequence change replaces alanine, which is neutral and non-polar, with threonine, which is neutral and polar, at codon 308 of the ACADVL protein (p.Ala308Thr). This variant is not present in population databases (gnomAD no frequency). This variant has not been reported in the literature in individuals affected with ACADVL-related conditions. Invitae Evidence Modeling of protein sequence and biophysical properties (such as structural, functional, and spatial information, amino acid conservation, physicochemical variation, residue mobility, and thermodynamic stability) indicates that this missense variant is not expected to disrupt ACADVL protein function with a negative predictive value of 80%. In summary, the available evidence is currently insufficient to determine the role of this variant in disease. Therefore, it has been classified as a Variant of Uncertain Significance.

NM_000018.4(ACADVL):c.922G>A (p.Ala308Thr)

Gene: ACADVL (acyl-CoA dehydrogenase very long chain; plus strand). Cytogenetic location: 17p13.1.
Variant type: single nucleotide variant.
Coding change: c.922G>A on transcript NM_000018.4 (MANE Select); coding-DNA position 922, G replaced by A.
Protein change: p.Ala308Thr; replaces alanine 308 with threonine.
Molecular consequence: missense variant.
Genome position (GRCh38, 1-based): chr17:7,222,710, G>A. VCF-style: chr17-7222710-G-A. GRCh37 (hg19) VCF-style: chr17-7126029-G-A.
Other names: c.856G>A, p.Ala286Thr (NM_001033859.3); c.991G>A, p.Ala331Thr (NM_001270447.2); c.694G>A, p.Ala232Thr (NM_001270448.2); short protein forms A232T, A286T, A331T, A308T.
Identifiers: ClinVar variation 2906689 (VCV002906689.3), dbSNP rs2508315794, ClinGen allele CA397723976.